The following is an entry in ClinVar:

ClinVar aggregate classification (germline): Uncertain significance (1 of 4 stars; one submission).

Conditions:
Cardiomyopathy (CMYO). Also called: Cardiomyopathies. Identifiers: Orphanet 167848, MedGen C0878544, MONDO:0004994, HP:0001638. Inheritance: Various modes of inheritance.

gnomAD v4.1: 1 of 1,613,560 alleles (0.000062%); highest among the groups gnomAD compares: Admixed American, 0.0017%; no homozygotes.

Submission:

Color Diagnostics, LLC DBA Color Health
Classification: Uncertain significance for Cardiomyopathy. Last evaluated: 2024-08-19. Review status: criteria provided, single submitter. Criteria: ACMG Guidelines, 2015. Collection method: clinical testing. Allele origin: germline.
Comment: This missense variant replaces lysine with asparagine at codon 168 of the TMEM43 protein. Computational prediction suggests that this variant may not impact protein structure and function. To our knowledge, functional studies have not been reported for this variant. This variant has not been reported in individuals affected with TMEM43-related disorders in the literature. This variant has been identified in 1/251364 chromosomes in the general population by the Genome Aggregation Database (gnomAD). The available evidence is insufficient to determine the role of this variant in disease conclusively. Therefore, this variant is classified as a Variant of Uncertain Significance.

NM_024334.3(TMEM43):c.504A>C (p.Lys168Asn)

Gene: TMEM43 (transmembrane protein 43; plus strand). Cytogenetic location: 3p25.1.
Variant type: single nucleotide variant.
Coding change: c.504A>C on transcript NM_024334.3 (MANE Select); coding-DNA position 504, A replaced by C.
Protein change: p.Lys168Asn; replaces lysine 168 with asparagine.
Molecular consequence: missense variant.
Genome position (GRCh38, 1-based): chr3:14,132,927, A>C. VCF-style: chr3-14132927-A-C. GRCh37 (hg19) VCF-style: chr3-14174427-A-C.
Other names: c.507A>C, p.Lys169Asn (NM_001407274.1); c.504A>C, p.Lys168Asn (NM_001407275.1, NM_001407276.1, NM_001407277.1 and 1 more transcripts); c.489A>C, p.Lys163Asn (NM_001407278.1); c.354A>C, p.Lys118Asn (NM_001407280.1); short protein forms K118N, K163N, K168N, K169N.
Identifiers: ClinVar variation 3894142 (VCV003894142.1).